The following is an entry in ClinVar:

NM_001099922.3(ALG13):c.245-4G>T

Gene: ALG13 (ALG13 UDP-N-acetylglucosaminyltransferase subunit; plus strand). Cytogenetic location: Xq23.
Variant type: single nucleotide variant.
Coding change: c.245-4G>T on transcript NM_001099922.3 (MANE Select); 4 bases into the intron before coding-DNA position 245, G replaced by T.
Molecular consequence: intron variant.
Genome position (GRCh38, 1-based): chrX:111,684,961, G>T. VCF-style: chrX-111684961-G-T. GRCh37 (hg19) VCF-style: chrX-110928189-G-T.
Other names: c.-68-4G>T (NM_001257237.2, NM_001324293.1, NM_001257234.2 and 6 more transcripts); c.11-4G>T (NM_001257231.2, NM_001257241.3); c.245-4G>T (NM_001324292.2, NM_001168385.3, NM_018466.6); c.251-4G>T (NM_001324290.2); c.186-4G>T (NM_001039210.5).
Identifiers: ClinVar variation 588047 (VCV000588047.5), dbSNP rs761270344, ClinGen allele CA10493471.

ClinVar aggregate classification (germline): Uncertain significance (1 of 4 stars; one submission).

Conditions:
Inborn genetic diseases. Identifiers: MedGen C0950123, MeSH D030342.

Allele frequency attached by ClinVar (database versions not stated): gnomAD exomes below 0.00001 and 0.00001; ExAC 0.00001.
gnomAD v4.1: 2 of 1,194,275 alleles (0.00017%); highest among the groups gnomAD compares: South Asian, 0.0037%; no homozygotes.

Submission:

Ambry Genetics
Classification: Uncertain significance for Inborn genetic diseases. Last evaluated: 2016-07-29. Review status: criteria provided, single submitter. Criteria: Ambry Variant Classification Scheme 2023. Collection method: clinical testing. Allele origin: germline.
Comment: The c.245-4G>T intronic variant results from a G to T substitution 4 nucleotides upstream from coding exon 3 in the ALG13 gene. This variant was not reported in population based cohorts in the following databases: Database of Single Nucleotide Polymorphisms (dbSNP), NHLBI Exome Sequencing Project (ESP), and 1000 Genomes Project. In the ESP, this variant was not observed in 6503 samples with coverage at this position. This nucleotide position is not well conserved in available vertebrate species. Using the BDGP and ESEfinder splice site prediction tools, this alteration is not predicted to have any significant effect on this splice acceptor site; however, direct evidence is unavailable. Since supporting evidence is limited at this time, the clinical significance of this alteration remains unclear.